The following is an entry in ClinVar:

NM_004655.4(AXIN2):c.398C>T (p.Ala133Val)

Gene: AXIN2 (axin 2; minus strand). Cytogenetic location: 17q24.1.
Variant type: single nucleotide variant.
Coding change: c.398C>T on transcript NM_004655.4 (MANE Select); coding-DNA position 398, C replaced by T.
Protein change: p.Ala133Val; replaces alanine 133 with valine.
Molecular consequence: missense variant.
Genome position (GRCh38, 1-based): chr17:65,558,223, G>A on the plus strand (C>T on the coding strand, the complement: AXIN2 is on the minus strand). VCF-style: chr17-65558223-G-A. GRCh37 (hg19) VCF-style: chr17-63554341-G-A.
Other names: c.398C>T (LRG_296t1); c.398C>T, p.Ala133Val (NM_001363813.1); short protein forms A133V.
Identifiers: ClinVar variation 464623 (VCV000464623.10), dbSNP rs767445163, ClinGen allele CA8719057.

ClinVar aggregate classification (germline): Uncertain significance. Review status: criteria provided, multiple submitters, no conflicts (2 of 4 stars). 2 submissions from 2 submitters: Uncertain significance (2). Last evaluated 2024-10-31.

Conditions:
Oligodontia-cancer predisposition syndrome. Also called: TOOTH AGENESIS-COLORECTAL CANCER SYNDROME. Identifiers: Orphanet 300576, MedGen C1837750, MONDO:0012075, OMIM 608615. Disease mechanism: loss of function.
Hereditary cancer-predisposing syndrome. Also called: Neoplastic Syndromes, Hereditary; Tumor predisposition; Hereditary Cancer Syndrome; Hereditary neoplastic syndrome. Identifiers: Orphanet 140162, MedGen C0027672, MeSH D009386, MONDO:0015356.

Allele frequency attached by ClinVar (database versions not stated): gnomAD exomes below 0.00001; ExAC 0.00001.
gnomAD v4.1: 1 of 1,613,944 alleles (0.000062%); highest among the groups gnomAD compares: Non-Finnish European, 0.000085%; no homozygotes.

Submissions (2):

Labcorp Genetics (formerly Invitae), Labcorp
Classification: Uncertain significance for Oligodontia-cancer predisposition syndrome. Last evaluated: 2024-10-31. Review status: criteria provided, single submitter. Criteria: Invitae Variant Classification Sherloc (09022015). Collection method: clinical testing. Allele origin: germline.
Comment: This sequence change replaces alanine, which is neutral and non-polar, with valine, which is neutral and non-polar, at codon 133 of the AXIN2 protein (p.Ala133Val). This variant is present in population databases (rs767445163, gnomAD 0.0009%). This variant has not been reported in the literature in individuals affected with AXIN2-related conditions. ClinVar contains an entry for this variant (Variation ID: 464623). Invitae Evidence Modeling of protein sequence and biophysical properties (such as structural, functional, and spatial information, amino acid conservation, physicochemical variation, residue mobility, and thermodynamic stability) indicates that this missense variant is not expected to disrupt AXIN2 protein function with a negative predictive value of 80%. In summary, the available evidence is currently insufficient to determine the role of this variant in disease. Therefore, it has been classified as a Variant of Uncertain Significance.

Ambry Genetics
Classification: Uncertain significance for Hereditary cancer-predisposing syndrome. Last evaluated: 2024-08-07. Review status: criteria provided, single submitter. Criteria: Ambry Variant Classification Scheme 2023. Collection method: clinical testing. Allele origin: germline.
Comment: The p.A133V variant (also known as c.398C>T), located in coding exon 1 of the AXIN2 gene, results from a C to T substitution at nucleotide position 398. The alanine at codon 133 is replaced by valine, an amino acid with similar properties. This amino acid position is well conserved in available vertebrate species. In addition, this alteration is predicted to be deleterious by in silico analysis. Based on the available evidence, the clinical significance of this variant remains unclear.